The following is an entry in ClinVar:

NM_004608.4(TBX6):c.872G>A (p.Arg291Gln)

Gene: TBX6 (T-box transcription factor 6; minus strand). Cytogenetic location: 16p11.2.
Variant type: single nucleotide variant.
Coding change: c.872G>A on transcript NM_004608.4 (MANE Select); coding-DNA position 872, G replaced by A.
Protein change: p.Arg291Gln; replaces arginine 291 with glutamine.
Molecular consequence: missense variant.
Genome position (GRCh38, 1-based): chr16:30,086,819, C>T on the plus strand (G>A on the coding strand, the complement: TBX6 is on the minus strand). VCF-style: chr16-30086819-C-T. GRCh37 (hg19) VCF-style: chr16-30098140-C-T.
Other names: c.872G>A (NM_004608.3); short protein forms R291Q.
Identifiers: ClinVar variation 2977088 (VCV002977088.4), dbSNP rs532667092, ClinGen allele CA8001753.

ClinVar aggregate classification (germline): Uncertain significance. Review status: criteria provided, multiple submitters, no conflicts (2 of 4 stars). 2 submissions from 2 submitters: Uncertain significance (2). Last evaluated 2025-08-22.

Conditions:
Inborn genetic diseases. Identifiers: MedGen C0950123, MeSH D030342.

Allele frequency attached by ClinVar (database versions not stated): ExAC 0.00001; gnomAD 0.00001; TOPMed 0.00001; 1000 Genomes Project 30x 0.00016; 1000 Genomes Project 0.00020.
gnomAD v4.1: 27 of 1,613,748 alleles (0.0017%); highest among the groups gnomAD compares: Admixed American, 0.0033%; no homozygotes.

Submissions (2):

Ambry Genetics
Classification: Uncertain significance for Inborn genetic diseases. Last evaluated: 2025-08-22. Review status: criteria provided, single submitter. Criteria: Ambry Variant Classification Scheme 2023. Collection method: clinical testing. Allele origin: germline.

Labcorp Genetics (formerly Invitae), Labcorp
Classification: Uncertain significance. Last evaluated: 2024-12-05. Review status: criteria provided, single submitter. Criteria: Invitae Variant Classification Sherloc (09022015). Collection method: clinical testing. Allele origin: germline.
Comment: This sequence change replaces arginine, which is basic and polar, with glutamine, which is neutral and polar, at codon 291 of the TBX6 protein (p.Arg291Gln). This variant is present in population databases (rs532667092, gnomAD 0.007%). This variant has not been reported in the literature in individuals affected with TBX6-related conditions. ClinVar contains an entry for this variant (Variation ID: 2977088). Invitae Evidence Modeling of protein sequence and biophysical properties (such as structural, functional, and spatial information, amino acid conservation, physicochemical variation, residue mobility, and thermodynamic stability) indicates that this missense variant is not expected to disrupt TBX6 protein function with a negative predictive value of 80%. In summary, the available evidence is currently insufficient to determine the role of this variant in disease. Therefore, it has been classified as a Variant of Uncertain Significance.